The following is an entry in ClinVar:

ClinVar aggregate classification (germline): Benign. Review status: criteria provided, multiple submitters, no conflicts (2 of 4 stars). 2 submissions from 2 submitters: Benign (2). Last evaluated 2018-01-13.

Conditions:
Holoprosencephaly 11 (HPE11). Identifiers: Orphanet 2162, MedGen C3280215, MONDO:0013642, OMIM 614226.

Allele frequency attached by ClinVar (database versions not stated): 1000 Genomes Project 30x 0.02092; 1000 Genomes Project 0.02177; TOPMed 0.02432.

Submissions (2):

Illumina Laboratory Services, Illumina
Classification: Benign for Holoprosencephaly 11. Last evaluated: 2018-01-13. Review status: criteria provided, single submitter. Criteria: ICSL Variant Classification Criteria 13 December 2019. Collection method: clinical testing. Allele origin: germline.
Comment: This variant was observed in the ICSL laboratory as part of a predisposition screen in an ostensibly healthy population. It had not been previously curated by ICSL or reported in the Human Gene Mutation Database (HGMD: prior to June 1st, 2018), and was therefore a candidate for classification through an automated scoring system. Utilizing variant allele frequency, disease prevalence and penetrance estimates, and inheritance mode, an automated score was calculated to assess if this variant is too frequent to cause the disease. Based on the score and internal cut-off values, a variant classified as benign is not then subjected to further curation. The score for this variant resulted in a classification of benign for this disease.

Breakthrough Genomics
Classification: Benign. Review status: criteria provided, single submitter. Criteria: ACMG Guidelines, 2015. Collection method: not provided. Allele origin: germline. Inheritance: Autosomal dominant inheritance. Affected: yes.

NM_001378964.1(CDON):c.*2003C>G

Gene: CDON (cell adhesion associated, oncogene regulated; minus strand). Cytogenetic location: 11q24.2.
Variant type: single nucleotide variant.
Coding change: c.*2003C>G on transcript NM_001378964.1 (MANE Select); 2003 bases downstream of the stop codon, C replaced by G.
Molecular consequence: 3 prime UTR variant.
Genome position (GRCh38, 1-based): chr11:125,958,939, G>C on the plus strand (C>G on the coding strand, the complement: CDON is on the minus strand). VCF-style: chr11-125958939-G-C. GRCh37 (hg19) VCF-style: chr11-125828834-G-C.
Other names: c.*2003C>G (NM_001243597.3, NM_016952.6).
Identifiers: ClinVar variation 303449 (VCV000303449.6), dbSNP rs73019373, ClinGen allele CA10630334.
Genomic context (GRCh38, chr11:125,958,939, plus strand): 5'-TTGTGACAGCATTGCTGTAACTTGATTGGCTAACACAGGGTATGTTTTCATATTCTGTGC[G>C]CTGGGACTTTGTCCTTTGCTAGTCACAGAAGTAAGGGATGCAGCTATCCCCCTCCAGAGC-3'